The following is an entry in ClinVar:

ClinVar aggregate classification (germline): Uncertain significance (0 of 4 stars; one submission).

Conditions:
SP7-related disorder. Also called: SP7-related condition.

Submission:

PreventionGenetics, part of Exact Sciences
Classification: Uncertain significance for SP7-related condition. Last evaluated: 2024-07-10. Review status: no assertion criteria provided. Collection method: clinical testing. Allele origin: germline.
Comment: The SP7 c.754G>T variant is predicted to result in the amino acid substitution p.Ala252Ser. To our knowledge, this variant has not been reported in the literature or in a large population database, indicating this variant is rare. At this time, the clinical significance of this variant is uncertain due to the absence of conclusive functional and genetic evidence.

NM_001173467.3(SP7):c.754G>T (p.Ala252Ser)

Gene: SP7 (Sp7 transcription factor; minus strand). Cytogenetic location: 12q13.13.
Variant type: single nucleotide variant.
Coding change: c.754G>T on transcript NM_001173467.3 (MANE Select); coding-DNA position 754, G replaced by T.
Protein change: p.Ala252Ser; replaces alanine 252 with serine.
Molecular consequence: missense variant.
Genome position (GRCh38, 1-based): chr12:53,328,688, C>A on the plus strand (G>T on the coding strand, the complement: SP7 is on the minus strand). VCF-style: chr12-53328688-C-A. GRCh37 (hg19) VCF-style: chr12-53722472-C-A.
Other names: c.700G>T, p.Ala234Ser (NM_001300837.2); c.754G>T, p.Ala252Ser (NM_152860.2); short protein forms A234S, A252S.
Identifiers: ClinVar variation 3353048 (VCV003353048.1).
Genomic context (GRCh38, chr12:53,328,688, plus strand): 5'-AGTCGCAGGAGGAGCGCCCTGCCCCACTGCCCCCATATCCACCACTACCCCCAGTGCTTG[C>A]ACCCCGTGGGGGTTTGGCTCCACCACTCCCTTCTAGCTGCCCACTATTTCCCACTGCCTT-3'
Protein context (NP_001166938.1, residues 242-262): GSGGAKPPRG[Ala252Ser]STGGSGGYGG